The following is an entry in ClinVar:

NM_001164508.2(NEB):c.12523C>T (p.Gln4175Ter)

Gene: NEB (nebulin; minus strand). Cytogenetic location: 2q23.3.
Variant type: single nucleotide variant.
Coding change: c.12523C>T on transcript NM_001164508.2 (MANE Select); coding-DNA position 12523, C replaced by T.
Protein change: p.Gln4175Ter; replaces glutamine 4175 with a stop codon.
Molecular consequence: nonsense. On other transcripts: intron variant (1).
Genome position (GRCh38, 1-based): chr2:151,608,484, G>A on the plus strand (C>T on the coding strand, the complement: NEB is on the minus strand). VCF-style: chr2-151608484-G-A. GRCh37 (hg19) VCF-style: chr2-152464998-G-A.
Other names: c.12523C>T, p.Gln4175Ter (NM_001164507.2, NM_001271208.2); c.11601+1325C>T (NM_004543.5); short protein forms Q4175*.
Identifiers: ClinVar variation 1076740 (VCV001076740.9), dbSNP rs2153959601, ClinGen allele CA348775455.

ClinVar aggregate classification (germline): Pathogenic (1 of 4 stars; one submission).

Conditions:
Nemaline myopathy 2 (NEM2). Also called: Nemaline myopathy 2, autosomal recessive. Identifiers: MedGen C1850569, MONDO:0009725, OMIM 256030.

Submission:

Labcorp Genetics (formerly Invitae), Labcorp
Classification: Pathogenic for Nemaline myopathy 2. Last evaluated: 2020-10-08. Review status: criteria provided, single submitter. Criteria: Invitae Variant Classification Sherloc (09022015). Collection method: clinical testing. Allele origin: germline.
Comment: This variant has not been reported in the literature in individuals with NEB-related conditions. This variant occurs in a region of NEB (Exons 82-105) consisting of three highly homologous 8-exon repeat units (exons 82-89, exons 90-97, exons 98-105). Sequence variants in this region can be detected, but this assay cannot determine which of the three repeat units is affected, and zygosity is often ambiguous. All variants in this region are reported relative to the exon 82-89 repeat. For these reasons, this variant has been classified as Pathogenic. Loss-of-function variants in NEB are known to be pathogenic (PMID: 25205138). The frequency data for this variant in the population databases (ExAC) is considered unreliable due to the presence of homologous sequence, such as pseudogenes or paralogs, in the genome. This sequence change creates a premature translational stop signal (p.Gln4175*) in the NEB gene. It is expected to result in an absent or disrupted protein product.

Literature cited by the submitters: PubMed 25205138.